The following is an entry in ClinVar:

NM_001291088.2(WDR87):c.4858C>T (p.Arg1620Ter)

Gene: WDR87 (WD repeat domain 87; minus strand). Cytogenetic location: 19q13.13.
Variant type: single nucleotide variant.
Coding change: c.4858C>T on transcript NM_001291088.2 (MANE Select); coding-DNA position 4858, C replaced by T.
Protein change: p.Arg1620Ter; replaces arginine 1620 with a stop codon.
Molecular consequence: nonsense.
Genome position (GRCh38, 1-based): chr19:37,888,813, G>A on the plus strand (C>T on the coding strand, the complement: WDR87 is on the minus strand). VCF-style: chr19-37888813-G-A. GRCh37 (hg19) VCF-style: chr19-38379453-G-A.
Other names: c.4741C>T, p.Arg1581Ter (NM_031951.5); short protein forms R1620*, R1581*.
Identifiers: ClinVar variation 3640264 (VCV003640264.2).

ClinVar aggregate classification (germline): Uncertain significance (1 of 4 stars; one submission).

Submission:

Labcorp Genetics (formerly Invitae), Labcorp
Classification: Uncertain significance. Last evaluated: 2025-09-24. Review status: criteria provided, single submitter. Criteria: Invitae Variant Classification Sherloc (09022015). Collection method: clinical testing. Allele origin: germline.
Comment: This sequence change creates a premature translational stop signal (p.Arg1581*) in the WDR87 gene. While this is not anticipated to result in nonsense mediated decay, it is expected to disrupt the last 1293 amino acid(s) of the WDR87 protein. This variant is present in population databases (rs200964341, gnomAD 0.05%). This variant has not been reported in the literature in individuals affected with WDR87-related conditions. ClinVar contains an entry for this variant (Variation ID: 3640264). Experimental studies and prediction algorithms are not available or were not evaluated, and the functional significance of this variant is currently unknown. In summary, the available evidence is currently insufficient to determine the role of this variant in disease. Therefore, it has been classified as a Variant of Uncertain Significance.